The following is an entry in ClinVar:

ClinVar aggregate classification (germline): Conflicting classifications of pathogenicity. Review status: criteria provided, conflicting classifications (1 of 4 stars). 3 submissions from 3 submitters: Uncertain significance (1); Likely benign (2). Last evaluated 2026-06-23.

Conditions:
Dilated cardiomyopathy 1O (CMD1O). Also called: CARDIOMYOPATHY, DILATED, WITH VENTRICULAR TACHYCARDIA. Identifiers: Orphanet 154, MedGen C1837839, MONDO:0012062, OMIM 608569.
Cardiovascular phenotype. Identifiers: MedGen CN230736.

Allele frequency attached by ClinVar (database versions not stated): gnomAD 0.00001 and 0.00002; gnomAD exomes 0.00001 and 0.00003; TOPMed 0.00002; ExAC 0.00003.
gnomAD v4.1: 8 of 1,613,956 alleles (0.0005%); highest among the groups gnomAD compares: African/African-American, 0.008%; 1 homozygote.

Submissions (3):

Ambry Genetics
Classification: Likely benign for Cardiovascular phenotype. Last evaluated: 2026-06-23. Review status: criteria provided, single submitter. Criteria: Ambry Variant Classification Scheme 2023. Collection method: clinical testing. Allele origin: germline.

Labcorp Genetics (formerly Invitae), Labcorp
Classification: Uncertain significance for Dilated cardiomyopathy 1O. Last evaluated: 2025-12-02. Review status: criteria provided, single submitter. Criteria: Invitae Variant Classification Sherloc (09022015). Collection method: clinical testing. Allele origin: germline.
Comment: This sequence change replaces leucine, which is neutral and non-polar, with serine, which is neutral and polar, at codon 1544 of the ABCC9 protein (p.Leu1544Ser). This variant is present in population databases (rs754437551, gnomAD 0.03%), including at least one homozygous and/or hemizygous individual. This variant has not been reported in the literature in individuals affected with ABCC9-related conditions. ClinVar contains an entry for this variant (Variation ID: 658269). Invitae Evidence Modeling of protein sequence and biophysical properties (such as structural, functional, and spatial information, amino acid conservation, physicochemical variation, residue mobility, and thermodynamic stability) indicates that this missense variant is not expected to disrupt ABCC9 protein function with a negative predictive value of 80%. In summary, the available evidence is currently insufficient to determine the role of this variant in disease. Therefore, it has been classified as a Variant of Uncertain Significance.

GeneDx
Classification: Likely benign. Last evaluated: 2019-04-16. Review status: criteria provided, single submitter. Criteria: GeneDx Variant Classification Process June 2021. Collection method: clinical testing. Allele origin: germline. Affected: yes.

NM_020297.4(ABCC9):c.4512+805T>C

Genes: KCNJ8-AS1 (KCNJ8 antisense RNA 1; plus strand), ABCC9 (ATP binding cassette subfamily C member 9; minus strand). Cytogenetic location: 12p12.1.
Variant type: single nucleotide variant.
Coding change: c.4512+805T>C on transcript NM_020297.4 (MANE Select); 805 bases into the intron after coding-DNA position 4512, T replaced by C.
Molecular consequence: intron variant. On other transcripts: missense variant (1).
Genome position (GRCh38, 1-based): chr12:21,805,193, A>G on the plus strand (T>C on the coding strand, the complement: ABCC9 is on the minus strand). VCF-style: chr12-21805193-A-G. GRCh37 (hg19) VCF-style: chr12-21958127-A-G.
Other names: c.4631T>C, p.Leu1544Ser (NM_005691.4); c.3645+805T>C (NM_001377274.1); c.4512+805T>C (NM_001377273.1); c.4631T>C (NM_005691.2); short protein forms L1544S.
Identifiers: ClinVar variation 658269 (VCV000658269.12), dbSNP rs754437551, ClinGen allele CA6480799.